The following is an entry in ClinVar:

ClinVar aggregate classification (germline): Uncertain significance (1 of 4 stars; one submission).

gnomAD v4.1: 5 of 1,614,076 alleles (0.00031%); highest among the groups gnomAD compares: Non-Finnish European, 0.00042%; no homozygotes.

Submission:

Quest Diagnostics Nichols Institute San Juan Capistrano
Classification: Uncertain significance. Last evaluated: 2024-11-25. Review status: criteria provided, single submitter. Criteria: Quest Diagnostics criteria. Collection method: clinical testing. Allele origin: unknown.
Comment: The FANCA c.159C>G (p.Ser53Arg) variant, to the best of our knowledge, has not been reported in the published literature. It also has not been reported in large, multi-ethnic general populations (Genome Aggregation Database). However, a different variant producing the same amino acid change, c.157A>C (p.Ser53Arg), has been reported in individuals with pancreatic cancer (PMID: 35171259 (2022)), ovarian cancer (PMID: 32546565 (2021)), and multiple cancers (PMID: 29641532 (2018)). Analysis of the p.Ser53Arg variant using bioinformatics tools for the prediction of the effect of amino acid changes on protein structure and function yielded predictions that this variant is benign. Based on the available information, we are unable to determine the clinical significance of the c.159C>G (p.Ser53Arg) variant.

Literature cited by the submitters: PubMed 35171259; PubMed 32546565; PubMed 29641532.

NM_000135.4(FANCA):c.159C>G (p.Ser53Arg)

Gene: FANCA (FA complementation group A; minus strand). Cytogenetic location: 16q24.3.
Variant type: single nucleotide variant.
Coding change: c.159C>G on transcript NM_000135.4 (MANE Select); coding-DNA position 159, C replaced by G.
Protein change: p.Ser53Arg; replaces serine 53 with arginine.
Molecular consequence: missense variant.
Genome position (GRCh38, 1-based): chr16:89,815,907, G>C on the plus strand (C>G on the coding strand, the complement: FANCA is on the minus strand). VCF-style: chr16-89815907-G-C. GRCh37 (hg19) VCF-style: chr16-89882315-G-C.
Other names: c.159C>G, p.Ser53Arg (NM_001018112.3, NM_001286167.3, NM_001351830.2); short protein forms S53R.
Identifiers: ClinVar variation 3572383 (VCV003572383.1).